The following is an entry in ClinVar:

ClinVar aggregate classification (germline): Uncertain significance (1 of 4 stars; one submission).

Conditions:
Cardiovascular phenotype. Identifiers: MedGen CN230736.

Submission:

Ambry Genetics
Classification: Uncertain significance for Cardiovascular phenotype. Last evaluated: 2025-12-26. Review status: criteria provided, single submitter. Criteria: Ambry Variant Classification Scheme 2023. Collection method: clinical testing. Allele origin: germline.
Comment: The p.K330T variant (also known as c.989A>C), located in coding exon 11 of the TRDN gene, results from an A to C substitution at nucleotide position 989. The lysine at codon 330 is replaced by threonine, an amino acid with similar properties. This amino acid position is conserved. In addition, this alteration is predicted to be tolerated by in silico analysis. Based on the available evidence, the clinical significance of this variant remains unclear.

NM_006073.4(TRDN):c.989A>C (p.Lys330Thr)

Gene: TRDN (triadin; minus strand). Cytogenetic location: 6q22.31.
Variant type: single nucleotide variant.
Coding change: c.989A>C on transcript NM_006073.4 (MANE Select); coding-DNA position 989, A replaced by C.
Protein change: p.Lys330Thr; replaces lysine 330 with threonine.
Molecular consequence: missense variant.
Genome position (GRCh38, 1-based): chr6:123,438,946, T>G on the plus strand (A>C on the coding strand, the complement: TRDN is on the minus strand). VCF-style: chr6-123438946-T-G. GRCh37 (hg19) VCF-style: chr6-123760091-T-G.
Other names: c.989A>C, p.Lys330Thr (NM_001251987.2); c.929A>C, p.Lys310Thr (NM_001407315.1); short protein forms K310T, K330T.
Identifiers: ClinVar variation 4841519 (VCV004841519.1).